The following is an entry in ClinVar:

ClinVar aggregate classification (germline): Likely benign. Review status: criteria provided, multiple submitters, no conflicts (2 of 4 stars). 5 submissions from 5 submitters: Likely benign (5). Last evaluated 2026-09-01.

Allele frequency attached by ClinVar (database versions not stated): gnomAD 0.00645; gnomAD exomes 0.01243; ESP Exome Variant Server 0.01755.
gnomAD v4.1: 6,570 of 1,362,588 alleles (0.48%); highest among the groups gnomAD compares: Middle Eastern, 1%; 65 homozygotes.

Submissions (5):

CeGaT Center for Human Genetics Tuebingen
Classification: Likely benign. Last evaluated: 2026-09-01. Review status: criteria provided, single submitter. Criteria: CeGaT Center For Human Genetics Tuebingen Variant Classification Criteria Version 2. Collection method: clinical testing. Allele origin: germline. Affected: yes. Observed: 19 variant alleles.
Comment: ACAN: PP2, BS2

Women's Health and Genetics/Laboratory Corporation of America, LabCorp
Classification: Likely benign. Last evaluated: 2026-05-12. Review status: criteria provided, single submitter. Criteria: LabCorp Variant Classification Summary - May 2015. Collection method: clinical testing. Allele origin: germline.

Blueprint Genetics
Classification: Likely benign. Last evaluated: 2024-11-27. Review status: criteria provided, single submitter. Criteria: ACMG Guidelines, 2015. Collection method: clinical testing. Allele origin: germline.

Eurofins Ntd Llc (ga)
Classification: Likely benign. Last evaluated: 2016-07-01. Review status: criteria provided, single submitter. Criteria: EGL Classification Definitions 2015. Collection method: clinical testing. Allele origin: germline. Observed: 1 variant allele, 1 heterozygote.

Breakthrough Genomics
Classification: Likely benign. Review status: criteria provided, single submitter. Criteria: ACMG Guidelines, 2015. Collection method: not provided. Allele origin: germline. Inheritance: Autosomal recessive inheritance. Affected: yes.

NM_001369268.1(ACAN):c.4264A>G (p.Thr1422Ala)

Gene: ACAN (aggrecan; plus strand). Cytogenetic location: 15q26.1.
Variant type: single nucleotide variant.
Coding change: c.4264A>G on transcript NM_001369268.1 (MANE Select); coding-DNA position 4264, A replaced by G.
Protein change: p.Thr1422Ala; replaces threonine 1422 with alanine.
Molecular consequence: missense variant.
Genome position (GRCh38, 1-based): chr15:88,856,849, A>G. VCF-style: chr15-88856849-A-G. GRCh37 (hg19) VCF-style: chr15-89400080-A-G.
Other names: c.4264A>G, p.Thr1422Ala (NM_001135.4, NM_013227.4); short protein forms T1422A.
Identifiers: ClinVar variation 288140 (VCV000288140.38), dbSNP rs35546357, ClinGen allele CA7720009.